The following is an entry in ClinVar:

NM_021629.4(GNB4):c.61G>T (p.Ala21Ser)

Gene: GNB4 (G protein subunit beta 4; minus strand). Cytogenetic location: 3q26.33.
Variant type: single nucleotide variant.
Coding change: c.61G>T on transcript NM_021629.4 (MANE Select); coding-DNA position 61, G replaced by T.
Protein change: p.Ala21Ser; replaces alanine 21 with serine.
Molecular consequence: missense variant.
Genome position (GRCh38, 1-based): chr3:179,420,924, C>A on the plus strand (G>T on the coding strand, the complement: GNB4 is on the minus strand). VCF-style: chr3-179420924-C-A. GRCh37 (hg19) VCF-style: chr3-179138712-C-A.
Other names: short protein forms A21S.
Identifiers: ClinVar variation 2843278 (VCV002843278.3), dbSNP rs1346103173, ClinGen allele CA355471285.

ClinVar aggregate classification (germline): Uncertain significance (1 of 4 stars; one submission).

Conditions:
Charcot-Marie-Tooth disease dominant intermediate F. Identifiers: Orphanet 352670, MedGen C4749463, MONDO:0014074, OMIM 615185.

Allele frequency attached by ClinVar (database versions not stated): TOPMed below 0.00001.

Submission:

Labcorp Genetics (formerly Invitae), Labcorp
Classification: Uncertain significance for Charcot-Marie-Tooth disease dominant intermediate F. Last evaluated: 2023-03-07. Review status: criteria provided, single submitter. Criteria: Invitae Variant Classification Sherloc (09022015). Collection method: clinical testing. Allele origin: germline.
Comment: In summary, the available evidence is currently insufficient to determine the role of this variant in disease. Therefore, it has been classified as a Variant of Uncertain Significance. Advanced modeling of protein sequence and biophysical properties (such as structural, functional, and spatial information, amino acid conservation, physicochemical variation, residue mobility, and thermodynamic stability) performed at Invitae indicates that this missense variant is not expected to disrupt GNB4 protein function. This variant has not been reported in the literature in individuals affected with GNB4-related conditions. This variant is present in population databases (no rsID available, gnomAD 0.01%). This sequence change replaces alanine, which is neutral and non-polar, with serine, which is neutral and polar, at codon 21 of the GNB4 protein (p.Ala21Ser).